The following is an entry in ClinVar:

ClinVar aggregate classification (germline): Likely benign (0 of 4 stars; one submission).

Conditions:
CIT-related disorder. Also called: CIT-related condition.

Allele frequency attached by ClinVar (database versions not stated): gnomAD exomes below 0.00001; TOPMed 0.00001.
gnomAD v4.1: 5 of 1,591,464 alleles (0.00031%); highest among the groups gnomAD compares: Middle Eastern, 0.05%; no homozygotes.

Submission:

PreventionGenetics, part of Exact Sciences
Classification: Likely benign for CIT-related condition. Last evaluated: 2019-07-12. Review status: no assertion criteria provided. Collection method: clinical testing. Allele origin: germline.
Comment: This variant is classified as likely benign based on ACMG/AMP sequence variant interpretation guidelines (Richards et al. 2015 PMID: 25741868, with internal and published modifications).

NM_001206999.2(CIT):c.6187-4C>T

Gene: CIT (citron rho-interacting serine/threonine kinase; minus strand). Cytogenetic location: 12q24.23.
Variant type: single nucleotide variant.
Coding change: c.6187-4C>T on transcript NM_001206999.2 (MANE Select); 4 bases into the intron before coding-DNA position 6187, C replaced by T.
Molecular consequence: intron variant.
Genome position (GRCh38, 1-based): chr12:119,688,259, G>A on the plus strand (C>T on the coding strand, the complement: CIT is on the minus strand). VCF-style: chr12-119688259-G-A. GRCh37 (hg19) VCF-style: chr12-120126064-G-A.
Other names: c.6061-4C>T (NM_007174.3).
Identifiers: ClinVar variation 3049292 (VCV003049292.2), dbSNP rs1489315183, ClinGen allele CA684332457.